The following is an entry in ClinVar:

ClinVar aggregate classification (germline): Benign/Likely benign. Review status: criteria provided, multiple submitters, no conflicts (2 of 4 stars). 4 submissions from 4 submitters: Benign (1); Likely benign (2). 1 of the submissions does not count toward it. Last evaluated 2021-12-15.

Conditions:
SLC25A32-related disorder. Also called: SLC25A32-related condition.

Allele frequency attached by ClinVar (database versions not stated): 1000 Genomes Project 0.00799; ExAC 0.01903; gnomAD 0.02023 and 0.01964; 1000 Genomes Project 30x 0.00796; gnomAD exomes 0.01895 and 0.02816; ESP Exome Variant Server 0.02460.

Submissions (4):

Mayo Clinic Laboratories, Mayo Clinic
Classification: Benign. Last evaluated: 2021-12-15. Review status: criteria provided, single submitter. Criteria: ACMG Guidelines, 2015. Collection method: clinical testing. Allele origin: germline. Observed: 4 variant alleles.
Comment: BA1

GeneDx
Classification: Likely benign. Last evaluated: 2021-01-28. Review status: criteria provided, single submitter. Criteria: GeneDx Variant Classification Process June 2021. Collection method: clinical testing. Allele origin: germline. Affected: yes.

Breakthrough Genomics
Classification: Likely benign. Review status: criteria provided, single submitter. Criteria: ACMG Guidelines, 2015. Collection method: not provided. Allele origin: germline. Inheritance: Autosomal recessive inheritance. Affected: yes.

PreventionGenetics, part of Exact Sciences
Classification: Benign for SLC25A32-related condition. Last evaluated: 2019-06-13. Review status: no assertion criteria provided. Collection method: clinical testing. Allele origin: germline. Not counted in ClinVar's aggregate classification.
Comment: This variant is classified as benign based on ACMG/AMP sequence variant interpretation guidelines (Richards et al. 2015 PMID: 25741868, with internal and published modifications).

NM_030780.5(SLC25A32):c.*4C>T

Gene: SLC25A32 (solute carrier family 25 member 32; minus strand). Cytogenetic location: 8q22.3.
Variant type: single nucleotide variant.
Coding change: c.*4C>T on transcript NM_030780.5 (MANE Select); 4 bases downstream of the stop codon, C replaced by T.
Molecular consequence: 3 prime UTR variant. On other transcripts: non-coding transcript variant (2).
Genome position (GRCh38, 1-based): chr8:103,400,407, G>A on the plus strand (C>T on the coding strand, the complement: SLC25A32 is on the minus strand). VCF-style: chr8-103400407-G-A. GRCh37 (hg19) VCF-style: chr8-104412635-G-A.
Other names: c.*4C>T (NM_030780.4).
Identifiers: ClinVar variation 1316181 (VCV001316181.6), dbSNP rs74934875, ClinGen allele CA4835322.